The following is an entry in ClinVar:

ClinVar aggregate classification (germline): Uncertain significance (1 of 4 stars; one submission).

Conditions:
DNMT3A-related disorder. Also called: DNMT3A-related condition; DNMT3A-related disorders.

gnomAD v4.1: 1 of 1,614,040 alleles (0.000062%); highest among the groups gnomAD compares: Non-Finnish European, 0.000085%; no homozygotes.

Submission:

PreventionGenetics, part of Exact Sciences
Classification: Uncertain significance for DNMT3A-related condition. Last evaluated: 2025-11-04. Review status: criteria provided, single submitter. Criteria: ACMG Guidelines, 2015. Collection method: clinical testing. Allele origin: germline.
Comment: The DNMT3A c.2150A>G variant is predicted to result in the amino acid substitution p.Asn717Ser. To our knowledge, this variant has not been reported in the literature or in a large population database (gnomAD), indicating this variant is rare. At this time, the clinical significance of this variant is uncertain due to the absence of conclusive functional and genetic evidence.

NM_022552.5(DNMT3A):c.2150A>G (p.Asn717Ser)

Gene: DNMT3A (DNA methyltransferase 3 alpha; minus strand). Cytogenetic location: 2p23.3.
Variant type: single nucleotide variant.
Coding change: c.2150A>G on transcript NM_022552.5 (MANE Select); coding-DNA position 2150, A replaced by G.
Protein change: p.Asn717Ser; replaces asparagine 717 with serine.
Molecular consequence: missense variant. On other transcripts: non-coding transcript variant (1).
Genome position (GRCh38, 1-based): chr2:25,240,663, T>C on the plus strand (A>G on the coding strand, the complement: DNMT3A is on the minus strand). VCF-style: chr2-25240663-T-C. GRCh37 (hg19) VCF-style: chr2-25463532-T-C.
Other names: c.1694A>G, p.Asn565Ser (NM_001320893.1); c.1481A>G, p.Asn494Ser (NM_001375819.1); c.1583A>G, p.Asn528Ser (NM_153759.3); c.2150A>G, p.Asn717Ser (NM_175629.2); short protein forms N494S, N528S, N565S, N717S.
Identifiers: ClinVar variation 4992272 (VCV004992272.1).
Genomic context (GRCh38, chr2:25,240,663, plus strand): 5'-CCAGCTGAGAAGGTGGAGGGGACAGGATGGTACCTACCGTAGAGGCCCTTGCGAGCAGGG[T>C]TGACGATGGAGAGGTCATTGCAGGGACTGCCCCCAATCACCAGATCGAATGGGCCCCACT-3'
Protein context (NP_072046.2, residues 707-727): GSPCNDLSIV[Asn717Ser]PARKGLYEGT